The following is an entry in ClinVar:

ClinVar aggregate classification (germline): Benign (0 of 4 stars; one submission).

Conditions:
DNAH10-related disorder. Also called: DNAH10-related condition.

Allele frequency attached by ClinVar (database versions not stated): gnomAD exomes 0.11413; ExAC 0.13211; 1000 Genomes Project 0.18011; 1000 Genomes Project 30x 0.18473; gnomAD 0.18843; TOPMed 0.20389; ESP Exome Variant Server 0.21090.
gnomAD v4.1: 195,912 of 1,613,820 alleles (12%); highest among the groups gnomAD compares: African/African-American, 41%; 15,730 homozygotes.

Submission:

PreventionGenetics, part of Exact Sciences
Classification: Benign for DNAH10-related condition. Last evaluated: 2019-10-22. Review status: no assertion criteria provided. Collection method: clinical testing. Allele origin: germline.
Comment: This variant is classified as benign based on ACMG/AMP sequence variant interpretation guidelines (Richards et al. 2015 PMID: 25741868, with internal and published modifications).

NM_001372106.1(DNAH10):c.2106T>C (p.His702=)

Gene: DNAH10 (dynein axonemal heavy chain 10; plus strand). Cytogenetic location: 12q24.31.
Variant type: single nucleotide variant.
Coding change: c.2106T>C on transcript NM_001372106.1 (MANE Select); coding-DNA position 2106, T replaced by C.
Protein change: p.His702=; no amino-acid change (histidine 702 retained).
Molecular consequence: synonymous variant.
Genome position (GRCh38, 1-based): chr12:123,796,775, T>C. VCF-style: chr12-123796775-T-C. GRCh37 (hg19) VCF-style: chr12-124281322-T-C.
Other names: c.1752T>C, p.His584= (NM_001083900.1, NM_207437.3).
Identifiers: ClinVar variation 3056758 (VCV003056758.2), dbSNP rs76791219, ClinGen allele CA6862901.